The following is an entry in ClinVar:

NM_003239.5(TGFB3):c.352+16C>G

Gene: TGFB3 (transforming growth factor beta 3; minus strand). Cytogenetic location: 14q24.3.
Variant type: single nucleotide variant.
Coding change: c.352+16C>G on transcript NM_003239.5 (MANE Select); 16 bases into the intron after coding-DNA position 352, C replaced by G.
Molecular consequence: intron variant.
Genome position (GRCh38, 1-based): chr14:75,980,526, G>C on the plus strand (C>G on the coding strand, the complement: TGFB3 is on the minus strand). VCF-style: chr14-75980526-G-C. GRCh37 (hg19) VCF-style: chr14-76446869-G-C.
Other names: c.352+16C>G (NM_001329939.2, NM_001329938.2).
Identifiers: ClinVar variation 515952 (VCV000515952.1), dbSNP rs1475238665, ClinGen allele CA658798231.
Genomic context (GRCh38, chr14:75,980,526, plus strand): 5'-AGGCCCCCCTCTGCAGAGCTCCCAGCTCCAGTTCAGACCCTCCAGAGCAGACACCCCAGC[G>C]AGAATTTGGACTTACTGTGCTCCGCCAGCCCCTGGATCATGTCGAATTTATGGATTTCTT-3'

ClinVar aggregate classification (germline): Likely benign (1 of 4 stars; one submission).

gnomAD v4.1: 2 of 1,613,448 alleles (0.00012%); highest among the groups gnomAD compares: Non-Finnish European, 0.00017%; no homozygotes.

Submission:

GeneDx
Classification: Likely benign. Last evaluated: 2018-03-09. Review status: criteria provided, single submitter. Criteria: GeneDx Variant Classification (06012015). Collection method: clinical testing. Allele origin: germline. Affected: yes.
Comment: This variant is considered likely benign or benign based on one or more of the following criteria: it is a conservative change, it occurs at a poorly conserved position in the protein, it is predicted to be benign by multiple in silico algorithms, and/or has population frequency not consistent with disease.